The following is an entry in ClinVar:

ClinVar aggregate classification (germline): Uncertain significance. Review status: criteria provided, multiple submitters, no conflicts (2 of 4 stars). 2 submissions from 2 submitters: Uncertain significance (2). Last evaluated 2024-10-15.

Conditions:
Ataxia-telangiectasia syndrome (AT). Also called: Ataxia telangiectasia (A-T); LOUIS-BAR SYNDROME; Cerebello-oculocutaneous telangiectasia; Immunodeficiency with ataxia telangiectasia; Ataxia-telangiectasia, complementation group D; AT, COMPLEMENTATION GROUP C. Identifiers: Orphanet 100, MedGen C0004135, MONDO:0008840, OMIM 208900.
Hereditary cancer-predisposing syndrome. Also called: Hereditary neoplastic syndrome; Neoplastic Syndromes, Hereditary; Tumor predisposition; Hereditary Cancer Syndrome. Identifiers: Orphanet 140162, MedGen C0027672, MeSH D009386, MONDO:0015356.

Submissions (2):

Labcorp Genetics (formerly Invitae), Labcorp
Classification: Uncertain significance for Ataxia-telangiectasia syndrome. Last evaluated: 2024-10-15. Review status: criteria provided, single submitter. Criteria: Invitae Variant Classification Sherloc (09022015). Collection method: clinical testing. Allele origin: germline.
Comment: This sequence change replaces valine, which is neutral and non-polar, with glycine, which is neutral and non-polar, at codon 2781 of the ATM protein (p.Val2781Gly). This variant is not present in population databases (gnomAD no frequency). This variant has not been reported in the literature in individuals affected with ATM-related conditions. ClinVar contains an entry for this variant (Variation ID: 1763003). Invitae Evidence Modeling of protein sequence and biophysical properties (such as structural, functional, and spatial information, amino acid conservation, physicochemical variation, residue mobility, and thermodynamic stability) has been performed for this missense variant. However, the output from this modeling did not meet the statistical confidence thresholds required to predict the impact of this variant on ATM protein function. In summary, the available evidence is currently insufficient to determine the role of this variant in disease. Therefore, it has been classified as a Variant of Uncertain Significance.

Ambry Genetics
Classification: Uncertain significance for Hereditary cancer-predisposing syndrome. Last evaluated: 2021-09-01. Review status: criteria provided, single submitter. Criteria: Ambry Variant Classification Scheme 2023. Collection method: clinical testing. Allele origin: germline.
Comment: The p.V2781G variant (also known as c.8342T>G), located in coding exon 56 of the ATM gene, results from a T to G substitution at nucleotide position 8342. The valine at codon 2781 is replaced by glycine, an amino acid with dissimilar properties. This amino acid position is conserved. In addition, the in silico prediction for this alteration is inconclusive. Since supporting evidence is limited at this time, the clinical significance of this alteration remains unclear.

NM_000051.4(ATM):c.8342T>G (p.Val2781Gly)

Genes: ATM (ATM serine/threonine kinase; plus strand), C11orf65 (chromosome 11 open reading frame 65; minus strand). Cytogenetic location: 11q22.3.
Variant type: single nucleotide variant.
Coding change: c.8342T>G on transcript NM_000051.4 (MANE Select); coding-DNA position 8342, T replaced by G.
Protein change: p.Val2781Gly; replaces valine 2781 with glycine.
Molecular consequence: missense variant. On other transcripts: intron variant (2).
Genome position (GRCh38, 1-based): chr11:108,343,295, T>G. VCF-style: chr11-108343295-T-G. GRCh37 (hg19) VCF-style: chr11-108214022-T-G.
Other names: c.8342T>G, p.Val2781Gly (NM_001351834.2); c.641-34224A>C (NM_001330368.2); c.695-8003A>C (NM_001351110.2); short protein forms V2781G.
Identifiers: ClinVar variation 1763003 (VCV001763003.4), dbSNP rs2136947057, ClinGen allele CA382516461.
Genomic context (GRCh38, chr11:108,343,295, plus strand): 5'-CTCAGCGAAGTGGTGTTCTTGAATGGTGCACAGGAACTGTCCCCATTGGTGAATTTCTTG[T>G]TAACAATGAAGATGGTGCTCATAAAAGATACAGGCCAAATGATTTCAGTGCCTTTCAGTG-3'
Protein context (NP_000042.3, residues 2771-2791): TGTVPIGEFL[Val2781Gly]NNEDGAHKRY